The following is an entry in ClinVar:

ClinVar aggregate classification (germline): Likely benign. Review status: criteria provided, multiple submitters, no conflicts (2 of 4 stars). 2 submissions from 2 submitters: Likely benign (2). Last evaluated 2022-12-01.

Conditions:
Spastic paraplegia. Identifiers: MedGen C0037772, HP:0001258.

Allele frequency attached by ClinVar (database versions not stated): gnomAD exomes below 0.00001; ExAC 0.00002; gnomAD 0.00005; TOPMed 0.00005; ESP Exome Variant Server 0.00008.
gnomAD v4.1: 15 of 1,613,500 alleles (0.00093%); highest among the groups gnomAD compares: African/African-American, 0.011%; no homozygotes.

Submissions (2):

CeGaT Center for Human Genetics Tuebingen
Classification: Likely benign. Last evaluated: 2022-12-01. Review status: criteria provided, single submitter. Criteria: CeGaT Center For Human Genetics Tuebingen Variant Classification Criteria Version 2. Collection method: clinical testing. Allele origin: germline. Affected: yes. Observed: 1 variant allele.
Comment: GBA2: BP4, BP7

Labcorp Genetics (formerly Invitae), Labcorp
Classification: Likely benign for Spastic paraplegia. Last evaluated: 2022-07-22. Review status: criteria provided, single submitter. Criteria: Invitae Variant Classification Sherloc (09022015). Collection method: clinical testing. Allele origin: germline.

NM_020944.3(GBA2):c.1399T>C (p.Leu467=)

Gene: GBA2 (glucosylceramidase beta 2; minus strand). Cytogenetic location: 9p13.3.
Variant type: single nucleotide variant.
Coding change: c.1399T>C on transcript NM_020944.3 (MANE Select); coding-DNA position 1399, T replaced by C.
Protein change: p.Leu467=; no amino-acid change (leucine 467 retained).
Molecular consequence: synonymous variant.
Genome position (GRCh38, 1-based): chr9:35,740,008, A>G on the plus strand (T>C on the coding strand, the complement: GBA2 is on the minus strand). VCF-style: chr9-35740008-A-G. GRCh37 (hg19) VCF-style: chr9-35740005-A-G.
Other names: c.1399T>C, p.Leu467= (NM_001330660.2).
Identifiers: ClinVar variation 2199707 (VCV002199707.28), dbSNP rs371553612, ClinGen allele CA5050429.